The following is an entry in ClinVar:

NM_001429.4(EP300):c.3948T>G (p.Pro1316=)

Gene: EP300 (E1A binding protein p300; plus strand). Cytogenetic location: 22q13.2.
Variant type: single nucleotide variant.
Coding change: c.3948T>G on transcript NM_001429.4 (MANE Select); coding-DNA position 3948, T replaced by G.
Protein change: p.Pro1316=; no amino-acid change (proline 1316 retained).
Molecular consequence: synonymous variant.
Genome position (GRCh38, 1-based): chr22:41,168,522, T>G. VCF-style: chr22-41168522-T-G. GRCh37 (hg19) VCF-style: chr22-41564526-T-G.
Other names: c.3870T>G, p.Pro1290= (NM_001362843.2).
Identifiers: ClinVar variation 3356822 (VCV003356822.1).

ClinVar aggregate classification (germline): Likely benign (0 of 4 stars; one submission).

Conditions:
EP300-related disorder. Also called: EP300-related disorders; EP300-related condition.

Submission:

PreventionGenetics, part of Exact Sciences
Classification: Likely benign for EP300-related condition. Last evaluated: 2023-07-03. Review status: no assertion criteria provided. Collection method: clinical testing. Allele origin: germline.
Comment: This variant is classified as likely benign based on ACMG/AMP sequence variant interpretation guidelines (Richards et al. 2015 PMID: 25741868, with internal and published modifications).